The following is an entry in ClinVar:

ClinVar aggregate classification (germline): Uncertain significance (1 of 4 stars; one submission).

Conditions:
Episodic kinesigenic dyskinesia (EKD). Also called: Paroxysmal kinesigenic dyskinesia. Identifiers: Orphanet 98809, MedGen C1868682, MONDO:0044202.

Submission:

Labcorp Genetics (formerly Invitae), Labcorp
Classification: Uncertain significance for Episodic kinesigenic dyskinesia. Last evaluated: 2020-06-03. Review status: criteria provided, single submitter. Criteria: Invitae Variant Classification Sherloc (09022015). Collection method: clinical testing. Allele origin: germline.
Comment: This sequence change affects an acceptor splice site in the last intron (intron 3) of the PRRT2 gene. While this is not anticipated to result in nonsense mediated decay, it likely alters RNA splicing and results in a disrupted protein product. This variant is not present in population databases (ExAC no frequency). This variant has not been reported in the literature in individuals with PRRT2-related conditions. Nucleotide substitutions within the consensus splice site are a relatively common cause of aberrant splicing (PMID: 17576681, 9536098). Algorithms developed to predict the effect of sequence changes on RNA splicing suggest that this variant may disrupt the consensus splice site, but this prediction has not been confirmed by published transcriptional studies. In summary, the available evidence is currently insufficient to determine the role of this variant in disease. Therefore, it has been classified as a Variant of Uncertain Significance.

Literature cited by the submitters: PubMed 17576681; PubMed 9536098.

NM_145239.3(PRRT2):c.1013-2A>G

Genes: MVP-DT (MVP divergent transcript; minus strand), PRRT2 (proline rich transmembrane protein 2; plus strand). Cytogenetic location: 16p11.2.
Variant type: single nucleotide variant.
Coding change: c.1013-2A>G on transcript NM_145239.3 (MANE Select); the canonical splice acceptor site of the intron before coding-DNA position 1013, A replaced by G.
Molecular consequence: splice acceptor variant. On other transcripts: synonymous variant (1), 3 prime UTR variant (1).
Genome position (GRCh38, 1-based): chr16:29,814,626, A>G. VCF-style: chr16-29814626-A-G. GRCh37 (hg19) VCF-style: chr16-29825947-A-G.
Other names: c.1173A>G, p.Thr391= (NM_001256442.2); c.*672A>G (NM_001256443.2).
Identifiers: ClinVar variation 1006445 (VCV001006445.7), dbSNP rs1596895005, ClinGen allele CA395481533.